The following is an entry in ClinVar:

ClinVar aggregate classification (germline): Conflicting classifications of pathogenicity. Review status: criteria provided, conflicting classifications (1 of 4 stars). 2 submissions from 2 submitters: Uncertain significance (1); Likely benign (1). Last evaluated 2026-01-12.

Allele frequency attached by ClinVar (database versions not stated): TOPMed 0.00001.
gnomAD v4.1: 12 of 1,605,228 alleles (0.00075%); highest among the groups gnomAD compares: Non-Finnish European, 0.00094%; no homozygotes.

Submissions (2):

Labcorp Genetics (formerly Invitae), Labcorp
Classification: Uncertain significance. Last evaluated: 2026-01-12. Review status: criteria provided, single submitter. Criteria: Invitae Variant Classification Sherloc (09022015). Collection method: clinical testing. Allele origin: germline.
Comment: This sequence change replaces arginine, which is basic and polar, with leucine, which is neutral and non-polar, at codon 2733 of the ADGRV1 protein (p.Arg2733Leu). This variant is not present in population databases (gnomAD no frequency). This missense change has been observed in individual(s) with retinitis pigmentosa (internal data). ClinVar contains an entry for this variant (Variation ID: 505690). Invitae Evidence Modeling of protein sequence and biophysical properties (such as structural, functional, and spatial information, amino acid conservation, physicochemical variation, residue mobility, and thermodynamic stability) indicates that this missense variant is not expected to disrupt ADGRV1 protein function with a negative predictive value of 95%. Algorithms developed to predict the effect of sequence changes on RNA splicing suggest that this variant may disrupt the consensus splice site. In summary, the available evidence is currently insufficient to determine the role of this variant in disease. Therefore, it has been classified as a Variant of Uncertain Significance.

Laboratory for Molecular Medicine, Mass General Brigham Personalized Medicine
Classification: Likely benign. Last evaluated: 2017-03-26. Review status: criteria provided, single submitter. Criteria: LMM Criteria. Collection method: clinical testing. Allele origin: germline. Observed: 1 variant allele.
Comment: p.Arg2733Leu in exon 35 of GPR98: This variant is not expected to have clinical significance due to a lack of conservation across species, including mammals. Of note, 2 mammals (Egyptian jerboa, domestic goat) and >10 birds have a leucine ( Leu) at this position despite high nearby amino acid conservation. Additional co mputational prediction tools do not suggest a high likelihood of impact to the p rotein.

NM_032119.4(ADGRV1):c.8198G>T (p.Arg2733Leu)

Gene: ADGRV1 (adhesion G protein-coupled receptor V1; plus strand). Cytogenetic location: 5q14.3.
Variant type: single nucleotide variant.
Coding change: c.8198G>T on transcript NM_032119.4 (MANE Select); coding-DNA position 8198, G replaced by T.
Protein change: p.Arg2733Leu; replaces arginine 2733 with leucine.
Molecular consequence: missense variant. On other transcripts: non-coding transcript variant (1).
Genome position (GRCh38, 1-based): chr5:90,703,707, G>T. VCF-style: chr5-90703707-G-T. GRCh37 (hg19) VCF-style: chr5-89999524-G-T.
Other names: short protein forms R2733L.
Identifiers: ClinVar variation 505690 (VCV000505690.10), dbSNP rs749383906, ClinGen allele CA360388828.